The following is an entry in ClinVar:

NM_000053.4(ATP7B):c.2374C>G (p.Leu792Val)

Gene: ATP7B (ATPase copper transporting beta; minus strand). Cytogenetic location: 13q14.3.
Variant type: single nucleotide variant.
Coding change: c.2374C>G on transcript NM_000053.4 (MANE Select); coding-DNA position 2374, C replaced by G.
Protein change: p.Leu792Val; replaces leucine 792 with valine.
Molecular consequence: missense variant.
Genome position (GRCh38, 1-based): chr13:51,957,589, G>C on the plus strand (C>G on the coding strand, the complement: ATP7B is on the minus strand). VCF-style: chr13-51957589-G-C. GRCh37 (hg19) VCF-style: chr13-52531725-G-C.
Other names: c.2374C>G, p.Leu792Val (NM_001406516.1, NM_001406519.1, NM_001406523.1 and 7 more transcripts); c.2278C>G, p.Leu760Val (NM_001406517.1, NM_001406518.1); c.2230C>G, p.Leu744Val (NM_001406520.1, NM_001406521.1, NM_001406522.1 and 1 more transcripts); c.2197C>G, p.Leu733Val (NM_001406524.1); c.2140C>G, p.Leu714Val (NM_001406538.1, NM_001330578.2, NM_001406527.1 and 2 more transcripts); c.1945C>G, p.Leu649Val (NM_001406539.1); c.2122C>G, p.Leu708Val (NM_001406540.1, NM_001330579.2, NM_001406531.1 and 1 more transcripts); c.1888C>G, p.Leu630Val (NM_001406541.1, NM_001406542.1, NM_001406546.1 and 1 more transcripts); and 7 more; short protein forms L649V, L681V, L714V, L781V, L712V, L630V, L682V, L708V.
Identifiers: ClinVar variation 2187081 (VCV002187081.4), dbSNP rs757244072, ClinGen allele CA388020382.

ClinVar aggregate classification (germline): Uncertain significance (1 of 4 stars; one submission).

Conditions:
Wilson disease (WND). Also called: Wilson's disease. Identifiers: Orphanet 905, MedGen C0019202, MONDO:0010200, OMIM 277900. Disease mechanism: loss of function.

Submission:

Labcorp Genetics (formerly Invitae), Labcorp
Classification: Uncertain significance for Wilson disease. Last evaluated: 2022-03-30. Review status: criteria provided, single submitter. Criteria: Invitae Variant Classification Sherloc (09022015). Collection method: clinical testing. Allele origin: germline.
Comment: Advanced modeling of protein sequence and biophysical properties (such as structural, functional, and spatial information, amino acid conservation, physicochemical variation, residue mobility, and thermodynamic stability) performed at Invitae indicates that this missense variant is expected to disrupt ATP7B protein function. In summary, the available evidence is currently insufficient to determine the role of this variant in disease. Therefore, it has been classified as a Variant of Uncertain Significance. This variant has not been reported in the literature in individuals affected with ATP7B-related conditions. This variant is not present in population databases (gnomAD no frequency). This sequence change replaces leucine, which is neutral and non-polar, with valine, which is neutral and non-polar, at codon 792 of the ATP7B protein (p.Leu792Val).